The following is an entry in ClinVar:

ClinVar aggregate classification (germline): Conflicting classifications of pathogenicity. Review status: criteria provided, conflicting classifications (1 of 4 stars). 7 submissions from 7 submitters: Pathogenic (1); Likely pathogenic (1); Uncertain significance (3). 2 of the submissions do not count toward it. Last evaluated 2026-09-10.

Conditions:
SLC26A4-related disorder. Also called: SLC26A4-related condition; SLC26A4-related disorders.
Pendred syndrome (PDS). Also called: THYROID DYSHORMONOGENESIS 2B; THYROID HORMONOGENESIS, GENETIC DEFECT IN, 2B; DEAFNESS WITH GOITER; GOITER-DEAFNESS SYNDROME; HYPOTHYROIDISM, CONGENITAL, DUE TO DYSHORMONOGENESIS, 2B; Pendred's syndrome. Identifiers: Orphanet 705, MedGen C0271829, MONDO:0010134, OMIM 274600.

Allele frequency attached by ClinVar (database versions not stated): gnomAD 0.00001; gnomAD exomes 0.00001 and 0.00006; ExAC 0.00003; TOPMed 0.00003.
gnomAD v4.1: 22 of 1,613,576 alleles (0.0014%); highest among the groups gnomAD compares: Admixed American, 0.027%; no homozygotes.

Submissions (7):

PreventionGenetics, part of Exact Sciences
Classification: Uncertain significance for SLC26A4-related condition. Last evaluated: 2026-09-10. Review status: criteria provided, single submitter. Criteria: ACMG Guidelines, 2015. Collection method: clinical testing. Allele origin: germline.
Comment: The SLC26A4 c.2003T>C variant is predicted to result in the amino acid substitution p.Leu668Pro. This variant was reported in a study of individuals with hearing loss, although information on a second potentially causative variant was not presented (Chen et al. 2011. PubMed ID: 21704276). This variant is reported in ClinVar with interpretations ranging from uncertain to pathogenic and is reported by one submitter to have been observed in a single individual with a SLC26A4 related disorder (Variation ID: 177739). At PreventionGenetics this variant has been observed in the homozygous or compound heterozygous state with a second potentially causative variant in five individuals from four families undergoing genetic testing for hearing loss (internal data). This variant is reported in 0.037% of alleles in individuals of Latino descent in gnomAD. Although we suspect that this variant may be pathogenic, at this time, the clinical significance of this variant is uncertain due to the absence of conclusive functional and genetic evidence.

GeneDx
Classification: Pathogenic. Last evaluated: 2026-09-09. Review status: criteria provided, single submitter. Criteria: GeneDx Variant Classification Process June 2021. Collection method: clinical testing. Allele origin: germline.
Comment: In silico analysis supports that this missense variant has a deleterious effect on protein structure/function; This variant is associated with the following publications: (PMID: 30245029, 18368581, 32387678, 21704276)

Myriad Genetics, Inc.
Classification: Uncertain significance for Pendred syndrome. Last evaluated: 2026-04-28. Review status: criteria provided, single submitter. Criteria: Myriad Autosomal Dominant, Autosomal Recessive and X-Linked Classification Criteria (2023). Collection method: clinical testing. Allele origin: unknown.
Comment: NM_000441.1(SLC26A4):c.2003T>C(L668P) is a missense variant classified as a variant of uncertain significance in the context of Pendred syndrome. L668P has been observed in a case with relevant disease (PMID: 27344577). Relevant functional assessments of this variant are not available in the literature. L668P has been observed in referenced population frequency databases. In summary, there is insufficient evidence to classify NM_000441.1(SLC26A4):c.2003T>C(L668P) as pathogenic or benign. Please note: this variant was assessed in the context of healthy population screening.

Labcorp Genetics (formerly Invitae), Labcorp
Classification: Likely pathogenic. Last evaluated: 2026-01-18. Review status: criteria provided, single submitter. Criteria: Invitae Variant Classification Sherloc (09022015). Collection method: clinical testing. Allele origin: germline.
Comment: This sequence change replaces leucine, which is neutral and non-polar, with proline, which is neutral and non-polar, at codon 668 of the SLC26A4 protein (p.Leu668Pro). This variant is present in population databases (rs727504303, gnomAD 0.03%). This missense change has been observed in individual(s) with SLC26A4-related conditions (PMID: 21704276; internal data). In at least one individual the data is consistent with being in trans (on the opposite chromosome) from a pathogenic variant. ClinVar contains an entry for this variant (Variation ID: 177739). Invitae Evidence Modeling of protein sequence and biophysical properties (such as structural, functional, and spatial information, amino acid conservation, physicochemical variation, residue mobility, and thermodynamic stability) indicates that this missense variant is expected to disrupt SLC26A4 protein function with a positive predictive value of 95%. In summary, the currently available evidence indicates that the variant is pathogenic, but additional data are needed to prove that conclusively. Therefore, this variant has been classified as Likely Pathogenic.

Blueprint Genetics
Classification: Uncertain significance. Last evaluated: 2022-01-12. Review status: criteria provided, single submitter. Criteria: ACMG Guidelines, 2015. Collection method: clinical testing. Allele origin: germline.

Natera, Inc.
Classification: Uncertain significance for Pendred syndrome. Last evaluated: 2020-09-16. Review status: no assertion criteria provided. Collection method: clinical testing. Allele origin: germline. Not counted in ClinVar's aggregate classification.

Laboratory for Molecular Medicine, Mass General Brigham Personalized Medicine
Classification: Uncertain significance. Last evaluated: 2014-07-02. Review status: flagged submission. Criteria: LMM Criteria. Collection method: clinical testing. Allele origin: germline. Observed: 1 variant allele. Not counted in ClinVar's aggregate classification.
Comment: The Leu668Pro variant in SLC26A4 has been reported in one individual without ava ilable clinical information (MORL; andbor/), and was absent from large population studies. Computat ional prediction tools and conservation analyses suggest that the Leu668Pro vari ant may impact the protein, though this information is not predictive enough to determine pathogenicity .In summary, the clinical significance of the Leu668Pro variant is uncertain.
ClinVar note: Reason: Claim with insufficient supporting evidence

Literature cited by the submitters: PubMed 27344577 (cited by Myriad Genetics, Inc.); PubMed 21704276 (cited by Labcorp Genetics (formerly Invitae), Labcorp).

NM_000441.2(SLC26A4):c.2003T>C (p.Leu668Pro)

Gene: SLC26A4 (solute carrier family 26 member 4; plus strand). Cytogenetic location: 7q22.3.
Variant type: single nucleotide variant.
Coding change: c.2003T>C on transcript NM_000441.2 (MANE Select); coding-DNA position 2003, T replaced by C.
Protein change: p.Leu668Pro; replaces leucine 668 with proline.
Molecular consequence: missense variant.
Genome position (GRCh38, 1-based): chr7:107,702,026, T>C. VCF-style: chr7-107702026-T-C. GRCh37 (hg19) VCF-style: chr7-107342471-T-C.
Other names: short protein forms L668P.
Identifiers: ClinVar variation 177739 (VCV000177739.20), dbSNP rs727504303, ClinGen allele CA180675.
Genomic context (GRCh38, chr7:107,702,026, plus strand): 5'-TGAACGTTCCCAAAGTGCCAATCCATAGCCTTGTGCTTGACTGTGGAGCTATATCTTTCC[T>C]GGACGTTGTTGGAGTGAGATCACTGCGGGTGGTAAGGTTCTGGTTTTCTGAATTATACAT-3'
Protein context (NP_000432.1, residues 658-678): LVLDCGAISF[Leu668Pro]DVVGVRSLRV